The following is an entry in ClinVar:

ClinVar aggregate classification (germline): Uncertain significance (1 of 4 stars; one submission).

Submission:

Labcorp Genetics (formerly Invitae), Labcorp
Classification: Uncertain significance. Last evaluated: 2023-08-17. Review status: criteria provided, single submitter. Criteria: Invitae Variant Classification Sherloc (09022015). Collection method: clinical testing. Allele origin: germline.
Comment: This variant has not been reported in the literature in individuals affected with IMPDH1-related conditions. In summary, the available evidence is currently insufficient to determine the role of this variant in disease. Therefore, it has been classified as a Variant of Uncertain Significance. An algorithm developed to predict the effect of missense changes on protein structure and function (PolyPhen-2) suggests that this variant is likely to be tolerated. ClinVar contains an entry for this variant (Variation ID: 1355356). This variant is not present in population databases (gnomAD no frequency). This sequence change replaces glutamic acid, which is acidic and polar, with lysine, which is basic and polar, at codon 100 of the IMPDH1 protein (p.Glu100Lys).

NM_000883.4(IMPDH1):c.298G>A (p.Glu100Lys)

Gene: IMPDH1 (inosine monophosphate dehydrogenase 1; minus strand). Cytogenetic location: 7q32.1.
Variant type: single nucleotide variant.
Coding change: c.298G>A on transcript NM_000883.4 (MANE Select); coding-DNA position 298, G replaced by A.
Protein change: p.Glu100Lys; replaces glutamic acid 100 with lysine.
Molecular consequence: missense variant. On other transcripts: intron variant (2).
Genome position (GRCh38, 1-based): chr7:128,405,822, C>T on the plus strand (G>A on the coding strand, the complement: IMPDH1 is on the minus strand). VCF-style: chr7-128405822-C-T. GRCh37 (hg19) VCF-style: chr7-128045876-C-T.
Other names: c.268G>A, p.Glu90Lys (NM_001102605.2); c.43G>A, p.Glu15Lys (NM_001142573.2, NM_001142574.2, NM_001142575.2); c.190G>A, p.Glu64Lys (NM_183243.3); c.147-2068G>A (NM_001304521.2); c.255-2068G>A (NM_001142576.2); short protein forms E64K, E100K, E15K, E90K.
Identifiers: ClinVar variation 1355356 (VCV001355356.8), dbSNP rs2116717128, ClinGen allele CA369178379.
Genomic context (GRCh38, chr7:128,405,822, plus strand): 5'-CTTACTTGTAGGTGAGGCCGTCGGCGCTGGCGAAGAGCTGCTGCGCGGTGAGCCCATCCT[C>T]GGGCACGTAGCCGGTGCCGCCGCTGATCAGGTAGTCCGCCATGCTGCCGCGAGACCCCGC-3'
Protein context (NP_000874.2, residues 90-110): LISGGTGYVP[Glu100Lys]DGLTAQQLFA